The following is an entry in ClinVar:

ClinVar aggregate classification (germline): Likely pathogenic (1 of 4 stars; one submission).

Conditions:
Ataxia - intellectual disability - oculomotor apraxia - cerebellar cysts syndrome. Also called: Poretti-Boltshauser syndrome. Identifiers: Orphanet 370022, MedGen C4014821, MONDO:0014419, OMIM 615960.

Submission:

Institute of Human Genetics, University of Leipzig Medical Center
Classification: Likely pathogenic for Ataxia - intellectual disability - oculomotor apraxia - cerebellar cysts syndrome. Last evaluated: 2022-11-25. Review status: criteria provided, single submitter. Criteria: ACMG Guidelines, 2015. Collection method: clinical testing. Allele origin: unknown. Affected: yes.
Comment: _x000D_This variant was identified as compound heterozygous with NM_005559.4:c.2932_2933delAAinsG Criteria applied: PVS1, PM3, PM2_SUP

NM_005559.4(LAMA1):c.7452+1G>A

Gene: LAMA1 (laminin subunit alpha 1; minus strand). Cytogenetic location: 18p11.31.
Variant type: single nucleotide variant.
Coding change: c.7452+1G>A on transcript NM_005559.4 (MANE Select); the canonical splice donor site of the intron after coding-DNA position 7452, G replaced by A.
Molecular consequence: splice donor variant.
Genome position (GRCh38, 1-based): chr18:6,961,944, C>T on the plus strand (G>A on the coding strand, the complement: LAMA1 is on the minus strand). VCF-style: chr18-6961944-C-T. GRCh37 (hg19) VCF-style: chr18-6961943-C-T.
Identifiers: ClinVar variation 1804140 (VCV001804140.1), dbSNP rs2057610007, ClinGen allele CA401846198.